The following is an entry in ClinVar:

ClinVar aggregate classification (germline): Uncertain significance (1 of 4 stars; one submission).

Allele frequency attached by ClinVar (database versions not stated): TOPMed below 0.00001.
gnomAD v4.1: 1 of 1,614,192 alleles (0.000062%); highest among the groups gnomAD compares: Admixed American, 0.0017%; no homozygotes.

Submission:

Labcorp Genetics (formerly Invitae), Labcorp
Classification: Uncertain significance. Last evaluated: 2025-10-22. Review status: criteria provided, single submitter. Criteria: Invitae Variant Classification Sherloc (09022015). Collection method: clinical testing. Allele origin: germline.
Comment: This sequence change replaces aspartic acid, which is acidic and polar, with glutamic acid, which is acidic and polar, at codon 516 of the ADAMTS18 protein (p.Asp516Glu). This variant is not present in population databases (gnomAD no frequency). This variant has not been reported in the literature in individuals affected with ADAMTS18-related conditions. ClinVar contains an entry for this variant (Variation ID: 1370364). An algorithm developed to predict the effect of missense changes on protein structure and function (PolyPhen-2) suggests that this variant is likely to be disruptive. In summary, the available evidence is currently insufficient to determine the role of this variant in disease. Therefore, it has been classified as a Variant of Uncertain Significance.

NM_199355.4(ADAMTS18):c.1548T>A (p.Asp516Glu)

Gene: ADAMTS18 (ADAM metallopeptidase with thrombospondin type 1 motif 18; minus strand). Cytogenetic location: 16q23.1.
Variant type: single nucleotide variant.
Coding change: c.1548T>A on transcript NM_199355.4 (MANE Select); coding-DNA position 1548, T replaced by A.
Protein change: p.Asp516Glu; replaces aspartic acid 516 with glutamic acid.
Molecular consequence: missense variant.
Genome position (GRCh38, 1-based): chr16:77,353,799, A>T on the plus strand (T>A on the coding strand, the complement: ADAMTS18 is on the minus strand). VCF-style: chr16-77353799-A-T. GRCh37 (hg19) VCF-style: chr16-77387696-A-T.
Other names: c.1032T>A, p.Asp344Glu (NM_001326358.2); short protein forms D344E, D516E.
Identifiers: ClinVar variation 1370364 (VCV001370364.6), dbSNP rs757122588, ClinGen allele CA396834492.